The following is an entry in ClinVar:

ClinVar aggregate classification (germline): Uncertain significance. Review status: criteria provided, multiple submitters, no conflicts (2 of 4 stars). 2 submissions from 2 submitters: Uncertain significance (2). Last evaluated 2024-10-30.

Allele frequency attached by ClinVar (database versions not stated): gnomAD 0.00001; TOPMed 0.00001; ExAC 0.00002; ESP Exome Variant Server 0.00008.
gnomAD v4.1: 23 of 1,613,750 alleles (0.0014%); highest among the groups gnomAD compares: East Asian, 0.0022%; no homozygotes.

Submissions (2):

Blueprint Genetics
Classification: Uncertain significance. Last evaluated: 2024-10-30. Review status: criteria provided, single submitter. Criteria: ACMG Guidelines, 2015. Collection method: clinical testing. Allele origin: germline.

Labcorp Genetics (formerly Invitae), Labcorp
Classification: Uncertain significance. Last evaluated: 2022-03-29. Review status: criteria provided, single submitter. Criteria: Invitae Variant Classification Sherloc (09022015). Collection method: clinical testing. Allele origin: germline.
Comment: Algorithms developed to predict the effect of missense changes on protein structure and function are either unavailable or do not agree on the potential impact of this missense change (SIFT: "Deleterious"; PolyPhen-2: "Possibly Damaging"; Align-GVGD: "Class C0"). In summary, the available evidence is currently insufficient to determine the role of this variant in disease. Therefore, it has been classified as a Variant of Uncertain Significance. This variant has not been reported in the literature in individuals affected with TTLL5-related conditions. This variant is present in population databases (rs369874143, gnomAD 0.04%). This sequence change replaces alanine, which is neutral and non-polar, with valine, which is neutral and non-polar, at codon 377 of the TTLL5 protein (p.Ala377Val).

NM_015072.5(TTLL5):c.1130C>T (p.Ala377Val)

Gene: TTLL5 (tubulin tyrosine ligase like 5; plus strand). Cytogenetic location: 14q24.3.
Variant type: single nucleotide variant.
Coding change: c.1130C>T on transcript NM_015072.5 (MANE Select); coding-DNA position 1130, C replaced by T.
Protein change: p.Ala377Val; replaces alanine 377 with valine.
Molecular consequence: missense variant.
Genome position (GRCh38, 1-based): chr14:75,733,994, C>T. VCF-style: chr14-75733994-C-T. GRCh37 (hg19) VCF-style: chr14-76200337-C-T.
Other names: short protein forms A377V.
Identifiers: ClinVar variation 1920139 (VCV001920139.4), dbSNP rs369874143, ClinGen allele CA7279255.